The following is an entry in ClinVar:

NM_000038.6(APC):c.6602G>T (p.Gly2201Val)

Gene: APC (APC regulator of Wnt signaling pathway; plus strand). Cytogenetic location: 5q22.2.
Variant type: single nucleotide variant.
Coding change: c.6602G>T on transcript NM_000038.6 (MANE Select); coding-DNA position 6602, G replaced by T.
Protein change: p.Gly2201Val; replaces glycine 2201 with valine.
Molecular consequence: missense variant. On other transcripts: non-coding transcript variant (2).
Genome position (GRCh38, 1-based): chr5:112,842,196, G>T. VCF-style: chr5-112842196-G-T. GRCh37 (hg19) VCF-style: chr5-112177893-G-T.
Other names: c.6602G>T, p.Gly2201Val (NM_001127510.3, NM_001354895.2, NM_001407450.1); c.6548G>T, p.Gly2183Val (NM_001127511.3); c.6656G>T, p.Gly2219Val (NM_001354896.2, NM_001407447.1, NM_001407448.1 and 1 more transcripts); c.6632G>T, p.Gly2211Val (NM_001354897.2); c.6527G>T, p.Gly2176Val (NM_001354898.2); c.6518G>T, p.Gly2173Val (NM_001354899.2); c.6479G>T, p.Gly2160Val (NM_001354900.2); c.6425G>T, p.Gly2142Val (NM_001354901.2, NM_001407453.1); and 11 more; short protein forms G1817V, G1918V, G2041V, G2072V, G2075V, G2100V, G2110V, G2118V.
Identifiers: ClinVar variation 3365553 (VCV003365553.3).

ClinVar aggregate classification (germline): Uncertain significance. Review status: criteria provided, multiple submitters, no conflicts (2 of 4 stars). 2 submissions from 2 submitters: Uncertain significance (2). Last evaluated 2024-03-26.

Conditions:
Familial adenomatous polyposis 1 (FAP1). Also called: FAMILIAL ADENOMATOUS POLYPOSIS 1, ATTENUATED; POLYPOSIS, ADENOMATOUS INTESTINAL. Identifiers: MedGen C2713442, MONDO:0021056, OMIM 175100. Disease mechanism: loss of function.

Submissions (2):

Labcorp Genetics (formerly Invitae), Labcorp
Classification: Uncertain significance for Familial adenomatous polyposis 1. Last evaluated: 2024-03-26. Review status: criteria provided, single submitter. Criteria: Invitae Variant Classification Sherloc (09022015). Collection method: clinical testing. Allele origin: germline.
Comment: This sequence change replaces glycine, which is neutral and non-polar, with valine, which is neutral and non-polar, at codon 2201 of the APC protein (p.Gly2201Val). This variant is not present in population databases (gnomAD no frequency). This variant has not been reported in the literature in individuals affected with APC-related conditions. Advanced modeling of protein sequence and biophysical properties (such as structural, functional, and spatial information, amino acid conservation, physicochemical variation, residue mobility, and thermodynamic stability) performed at Invitae indicates that this missense variant is not expected to disrupt APC protein function with a negative predictive value of 95%. In summary, the available evidence is currently insufficient to determine the role of this variant in disease. Therefore, it has been classified as a Variant of Uncertain Significance.

GeneDx
Classification: Uncertain significance. Last evaluated: 2023-12-12. Review status: criteria provided, single submitter. Criteria: GeneDx Variant Classification Process June 2021. Collection method: clinical testing. Allele origin: germline. Affected: yes.
Comment: Not observed at significant frequency in large population cohorts (gnomAD); In silico analysis supports that this missense variant does not alter protein structure/function; Has not been previously published as pathogenic or benign to our knowledge; This variant is associated with the following publications: (PMID: 18199528)